The following is an entry in ClinVar:

NM_001042413.2(GLIS3):c.2678C>T (p.Ser893Phe)

Gene: GLIS3 (GLIS family zinc finger 3; minus strand). Cytogenetic location: 9p24.2.
Variant type: single nucleotide variant.
Coding change: c.2678C>T on transcript NM_001042413.2 (MANE Select); coding-DNA position 2678, C replaced by T.
Protein change: p.Ser893Phe; replaces serine 893 with phenylalanine.
Molecular consequence: missense variant.
Genome position (GRCh38, 1-based): chr9:3,828,387, G>A on the plus strand (C>T on the coding strand, the complement: GLIS3 is on the minus strand). VCF-style: chr9-3828387-G-A. GRCh37 (hg19) VCF-style: chr9-3828387-G-A.
Other names: c.2678C>T (NM_001042413.1); c.2678C>T, p.Ser893Phe (NM_001438906.1, NM_001438907.1, NM_001438908.1); c.2213C>T, p.Ser738Phe (NM_001438909.1, NM_152629.4); c.2012C>T, p.Ser671Phe (NM_001438911.1, NM_001438912.1); short protein forms S671F, S738F, S893F.
Identifiers: ClinVar variation 4078786 (VCV004078786.2).

ClinVar aggregate classification (germline): Uncertain significance. Review status: criteria provided, multiple submitters, no conflicts (2 of 4 stars). 2 submissions from 2 submitters: Uncertain significance (2). Last evaluated 2026-03-05.

Conditions:
GLIS3-related disorder. Also called: GLIS3-related condition.
Neonatal diabetes mellitus with congenital hypothyroidism. Also called: NDH SYNDROME. Identifiers: Orphanet 79118, MedGen C1857775, MONDO:0012436, OMIM 610199.

gnomAD v4.1: 117 of 1,613,484 alleles (0.0073%); highest among the groups gnomAD compares: East Asian, 0.22%; no homozygotes.

Submissions (2):

PreventionGenetics, part of Exact Sciences
Classification: Uncertain significance for GLIS3-related condition. Last evaluated: 2026-03-05. Review status: criteria provided, single submitter. Criteria: ACMG Guidelines, 2015. Collection method: clinical testing. Allele origin: germline.
Comment: The GLIS3 c.2678C>T variant is predicted to result in the amino acid substitution p.Ser893Phe. This variant has been reported in individuals with hypothyroidism (Table S2, Wang et al. 2020. PubMed ID: 32425884; Supplementary table 1, Zhang et al. 2021. PubMed ID: 33667596). This variant is reported in 0.25% of alleles in individuals of East Asian descent in gnomAD. At this time, the clinical significance of this variant is uncertain due to the absence of conclusive functional and genetic evidence.

Revvity Omics, Revvity
Classification: Uncertain significance for Neonatal diabetes mellitus with congenital hypothyroidism. Last evaluated: 2023-12-19. Review status: criteria provided, single submitter. Criteria: ACMG Guidelines, 2015. Collection method: clinical testing. Allele origin: germline.